The following is an entry in ClinVar:

ClinVar aggregate classification (germline): Benign. Review status: criteria provided, multiple submitters, no conflicts (2 of 4 stars). 2 submissions from 2 submitters: Benign (2). Last evaluated 2018-06-14.

Allele frequency attached by ClinVar (database versions not stated): gnomAD exomes 0.38810; 1000 Genomes Project 0.42472; 1000 Genomes Project 30x 0.43254; gnomAD 0.44046; TOPMed 0.45616.
gnomAD v4.1: 270,146 of 670,426 alleles (40%); highest among the groups gnomAD compares: African/African-American, 63%; 57,454 homozygotes.

Submissions (2):

GeneDx
Classification: Benign. Last evaluated: 2018-06-14. Review status: criteria provided, single submitter. Criteria: GeneDx Variant Classification (06012015). Collection method: clinical testing. Allele origin: germline. Affected: yes.
Comment: This variant is considered likely benign or benign based on one or more of the following criteria: it is a conservative change, it occurs at a poorly conserved position in the protein, it is predicted to be benign by multiple in silico algorithms, and/or has population frequency not consistent with disease.

Breakthrough Genomics
Classification: Benign. Review status: criteria provided, single submitter. Criteria: ACMG Guidelines, 2015. Collection method: not provided. Allele origin: germline. Inheritance: Autosomal dominant inheritance. Affected: yes.

NM_005751.5(AKAP9):c.5059-129C>A

Gene: AKAP9 (A-kinase anchoring protein 9; plus strand). Cytogenetic location: 7q21.2.
Variant type: single nucleotide variant.
Coding change: c.5059-129C>A on transcript NM_005751.5 (MANE Select); 129 bases into the intron before coding-DNA position 5059, C replaced by A.
Molecular consequence: intron variant.
Genome position (GRCh38, 1-based): chr7:92,042,539, C>A. VCF-style: chr7-92042539-C-A. GRCh37 (hg19) VCF-style: chr7-91671853-C-A.
Other names: c.5059-129C>A (NM_147185.3).
Identifiers: ClinVar variation 671871 (VCV000671871.2), dbSNP rs926192, ClinGen allele CA12593016.